The following is an entry in ClinVar:

ClinVar aggregate classification (germline): Pathogenic. Review status: no assertion criteria provided (0 of 4 stars). 2 submissions from 2 submitters: Pathogenic (2). Last evaluated 2012-01-22.

Conditions:
Pseudohypoaldosteronism type 2E (PHA2E). Also called: Pseudohypoaldosteronism Type IIE. Identifiers: Orphanet 300530, Orphanet 757, MedGen C3469606, MONDO:0013782, OMIM 614496.
Pseudohypoaldosteronism type 2A (PHA2A). Also called: GORDON HYPERKALEMIA-HYPERTENSION SYNDROME; HYPERTENSIVE HYPERKALEMIA, FAMILIAL. Identifiers: Orphanet 757, Orphanet 88938, MedGen C1840389, MONDO:0007772, OMIM 145260.

Submissions (2):

OMIM
Classification: Pathogenic for PSEUDOHYPOALDOSTERONISM, TYPE IIE. Last evaluated: 2012-01-22. Review status: no assertion criteria provided. Collection method: literature only. Allele origin: germline.

Richard Lifton Laboratory, Yale University School of Medicine
Classification: Pathogenic for Pseudohypoaldosteronism, type 2. Review status: no assertion criteria provided. Collection method: not provided. Allele origin: germline.
Comment: dominant;intron 8 splice acceptor polypyrimidine tract
ClinVar note: Converted during submission from pathogenic to Pathogenic.

Literature cited by the submitters: PubMed 22266938 (cited by OMIM).

NM_003590.5(CUL3):c.1207-12T>G

Gene: CUL3 (cullin 3; minus strand). Cytogenetic location: 2q36.2.
Variant type: single nucleotide variant.
Coding change: c.1207-12T>G on transcript NM_003590.5 (MANE Select); 12 bases into the intron before coding-DNA position 1207, T replaced by G.
Molecular consequence: intron variant.
Genome position (GRCh38, 1-based): chr2:224,503,834, A>C on the plus strand (T>G on the coding strand, the complement: CUL3 is on the minus strand). VCF-style: chr2-224503834-A-C. GRCh37 (hg19) VCF-style: chr2-225368551-A-C.
Other names: EX9_t(-12)g; IVS8, T-G, -12; c.1009-12T>G (NM_001257197.2); c.1225-12T>G (NM_001257198.2).
Identifiers: ClinVar variation 100515 (VCV000100515.3), dbSNP rs199469651, ClinGen allele CA269954.